The following is an entry in ClinVar:

ClinVar aggregate classification (germline): Uncertain significance. Review status: criteria provided, multiple submitters, no conflicts (2 of 4 stars). 3 submissions from 3 submitters: Uncertain significance (3). Last evaluated 2025-11-12.

Conditions:
Hereditary cancer-predisposing syndrome. Also called: Neoplastic Syndromes, Hereditary; Hereditary Cancer Syndrome; Hereditary neoplastic syndrome; Tumor predisposition. Identifiers: Orphanet 140162, MedGen C0027672, MeSH D009386, MONDO:0015356.
Neuroblastoma, susceptibility to, 3. Also called: ALK-Related Neuroblastic Tumor Susceptibility. Identifiers: Orphanet 635, MedGen C2751681, MONDO:0013083, OMIM 613014.

Allele frequency attached by ClinVar (database versions not stated): gnomAD exomes below 0.00001; gnomAD 0.00004; TOPMed 0.00005.
gnomAD v4.1: 12 of 1,614,136 alleles (0.00074%); highest among the groups gnomAD compares: African/African-American, 0.011%; no homozygotes.

Submissions (3):

Labcorp Genetics (formerly Invitae), Labcorp
Classification: Uncertain significance for Neuroblastoma, susceptibility to, 3. Last evaluated: 2025-11-12. Review status: criteria provided, single submitter. Criteria: Invitae Variant Classification Sherloc (09022015). Collection method: clinical testing. Allele origin: germline.
Comment: This sequence change replaces histidine, which is basic and polar, with arginine, which is basic and polar, at codon 812 of the ALK protein (p.His812Arg). This variant is present in population databases (no rsID available, gnomAD 0.007%). This variant has not been reported in the literature in individuals affected with ALK-related conditions. ClinVar contains an entry for this variant (Variation ID: 852582). An algorithm developed to predict the effect of missense changes on protein structure and function outputs the following: PolyPhen-2: "Benign". The arginine amino acid residue is found in multiple mammalian species, which suggests that this missense change does not adversely affect protein function. Algorithms developed to predict the effect of sequence changes on RNA splicing suggest that this variant may disrupt the consensus splice site. In summary, the available evidence is currently insufficient to determine the role of this variant in disease. Therefore, it has been classified as a Variant of Uncertain Significance.

Ambry Genetics
Classification: Uncertain significance for Hereditary cancer-predisposing syndrome. Last evaluated: 2024-08-21. Review status: criteria provided, single submitter. Criteria: Ambry Variant Classification Scheme 2023. Collection method: clinical testing. Allele origin: germline.
Comment: The p.H812R variant (also known as c.2435A>G), located in coding exon 14 of the ALK gene, results from an A to G substitution at nucleotide position 2435. The histidine at codon 812 is replaced by arginine, an amino acid with highly similar properties. This amino acid position is conserved. In addition, this alteration is predicted to be tolerated by in silico analysis. Since supporting evidence is limited at this time, the clinical significance of this alteration remains unclear.

Baylor Genetics
Classification: Uncertain significance for Neuroblastoma, susceptibility to, 3. Last evaluated: 2024-02-01. Review status: criteria provided, single submitter. Criteria: ACMG Guidelines, 2015. Collection method: clinical testing. Allele origin: unknown. Study: CSER-TexasKidsCanSeq.

NM_004304.5(ALK):c.2435A>G (p.His812Arg)

Gene: ALK (ALK receptor tyrosine kinase; minus strand). Cytogenetic location: 2p23.2.
Variant type: single nucleotide variant.
Coding change: c.2435A>G on transcript NM_004304.5 (MANE Select); coding-DNA position 2435, A replaced by G.
Protein change: p.His812Arg; replaces histidine 812 with arginine.
Molecular consequence: missense variant.
Genome position (GRCh38, 1-based): chr2:29,233,617, T>C on the plus strand (A>G on the coding strand, the complement: ALK is on the minus strand). VCF-style: chr2-29233617-T-C. GRCh37 (hg19) VCF-style: chr2-29456483-T-C.
Other names: short protein forms H812R.
Identifiers: ClinVar variation 852582 (VCV000852582.14), dbSNP rs866703896, ClinGen allele CA44639221.
Genomic context (GRCh38, chr2:29,233,617, plus strand): 5'-CACCATACCTTAAATACGTAGGTGGCTCCACCCCCTCCTCCTCCGCCTCCTGCCCACTCA[T>C]GCACGCTTCTGTTCACACGGATTTCTTCTTCTATCACATTGTTCTCTCCAATGCAGACTT-3'
Protein context (NP_004295.2, residues 802-822): EEEIRVNRSV[His812Arg]EWAGGGGGGG